The following is an entry in ClinVar:

ClinVar aggregate classification (germline): Likely pathogenic. Review status: criteria provided, multiple submitters, no conflicts (2 of 4 stars). 2 submissions from 2 submitters: Likely pathogenic (2). Last evaluated 2023-11-24.

Conditions:
Gorlin syndrome. Also called: Nevoid Basal Cell Carcinoma Syndrome; Basal cell nevus syndrome. Identifiers: Orphanet 377, MedGen C0004779, MONDO:0007187.
Medulloblastoma (MDB). Also called: MEDULLOBLASTOMA PREDISPOSITION SYNDROME; Medulloblastoma, somatic. Identifiers: Orphanet 616, MedGen C0025149, MeSH D008527, MONDO:0007959, OMIM 155255, HP:0002885.

Submissions (2):

Quest Diagnostics Nichols Institute San Juan Capistrano
Classification: Likely pathogenic. Last evaluated: 2023-11-24. Review status: criteria provided, single submitter. Criteria: Quest Diagnostics criteria. Collection method: clinical testing. Allele origin: unknown.
Comment: The SUFU c.683+1G>A variant disrupts a canonical splice-donor site and is predicted to interfere with normal SUFU mRNA splicing. This variant has been reported in the published literature in a cohort of patients with rare diseases referred for genetic testing (PMID: 33726816 (2021)). This variant has not been reported in large, multi-ethnic general populations (Genome Aggregation Database). Based on the available information, this variant is classified as likely pathogenic.

Labcorp Genetics (formerly Invitae), Labcorp
Classification: Likely pathogenic for Gorlin syndrome; Medulloblastoma. Last evaluated: 2020-10-21. Review status: criteria provided, single submitter. Criteria: Invitae Variant Classification Sherloc (09022015). Collection method: clinical testing. Allele origin: germline.
Comment: In summary, the currently available evidence indicates that the variant is pathogenic, but additional data are needed to prove that conclusively. Therefore, this variant has been classified as Likely Pathogenic. Algorithms developed to predict the effect of sequence changes on RNA splicing suggest that this variant may disrupt the consensus splice site, but this prediction has not been confirmed by published transcriptional studies. This variant has not been reported in the literature in individuals with SUFU-related conditions. This variant is not present in population databases (ExAC no frequency). This sequence change affects a donor splice site in intron 5 of the SUFU gene. It is expected to disrupt RNA splicing. Variants that disrupt the donor or acceptor splice site typically lead to a loss of protein function (PMID: 16199547), and loss-of-function variants in SUFU are known to be pathogenic (PMID: 22508808, 25403219).

Literature cited by the submitters: PubMed 33726816 (cited by Quest Diagnostics Nichols Institute San Juan Capistrano); PubMed 16199547 (cited by Labcorp Genetics (formerly Invitae), Labcorp); PubMed 22508808 (cited by Labcorp Genetics (formerly Invitae), Labcorp); PubMed 25403219 (cited by Labcorp Genetics (formerly Invitae), Labcorp).

NM_016169.4(SUFU):c.683+1G>A

Gene: SUFU (SUFU negative regulator of hedgehog signaling; plus strand). Cytogenetic location: 10q24.32.
Variant type: single nucleotide variant.
Coding change: c.683+1G>A on transcript NM_016169.4 (MANE Select); the canonical splice donor site of the intron after coding-DNA position 683, G replaced by A.
Molecular consequence: splice donor variant.
Genome position (GRCh38, 1-based): chr10:102,593,722, G>A. VCF-style: chr10-102593722-G-A. GRCh37 (hg19) VCF-style: chr10-104353479-G-A.
Other names: c.683+1G>A (NM_001178133.2, NM_016169.3).
Identifiers: ClinVar variation 1066211 (VCV001066211.10), dbSNP rs2135870923, ClinGen allele CA377909661.